The following is an entry in ClinVar:

NM_000452.3(SLC10A2):c.554A>T (p.Lys185Ile)

Gene: SLC10A2 (solute carrier family 10 member 2; minus strand). Cytogenetic location: 13q33.1.
Variant type: single nucleotide variant.
Coding change: c.554A>T on transcript NM_000452.3 (MANE Select); coding-DNA position 554, A replaced by T.
Protein change: p.Lys185Ile; replaces lysine 185 with isoleucine.
Molecular consequence: missense variant.
Genome position (GRCh38, 1-based): chr13:103,052,651, T>A on the plus strand (A>T on the coding strand, the complement: SLC10A2 is on the minus strand). VCF-style: chr13-103052651-T-A. GRCh37 (hg19) VCF-style: chr13-103705001-T-A.
Other names: short protein forms K185I.
Identifiers: ClinVar variation 1971137 (VCV001971137.5), dbSNP rs199920394, ClinGen allele CA7042162.

ClinVar aggregate classification (germline): Uncertain significance (1 of 4 stars; one submission).

Allele frequency attached by ClinVar (database versions not stated): TOPMed 0.00001; ExAC 0.00002; gnomAD exomes 0.00002; ESP Exome Variant Server 0.00008.
gnomAD v4.1: 29 of 1,612,070 alleles (0.0018%); highest among the groups gnomAD compares: Non-Finnish European, 0.0023%; no homozygotes.

Submission:

Labcorp Genetics (formerly Invitae), Labcorp
Classification: Uncertain significance. Last evaluated: 2023-06-25. Review status: criteria provided, single submitter. Criteria: Invitae Variant Classification Sherloc (09022015). Collection method: clinical testing. Allele origin: germline.
Comment: In summary, the available evidence is currently insufficient to determine the role of this variant in disease. Therefore, it has been classified as a Variant of Uncertain Significance. Advanced modeling of protein sequence and biophysical properties (such as structural, functional, and spatial information, amino acid conservation, physicochemical variation, residue mobility, and thermodynamic stability) performed at Invitae indicates that this missense variant is not expected to disrupt SLC10A2 protein function. ClinVar contains an entry for this variant (Variation ID: 1971137). This variant has not been reported in the literature in individuals affected with SLC10A2-related conditions. This variant is present in population databases (rs199920394, gnomAD 0.003%). This sequence change replaces lysine, which is basic and polar, with isoleucine, which is neutral and non-polar, at codon 185 of the SLC10A2 protein (p.Lys185Ile).